The following is an entry in ClinVar:

NM_004999.4(MYO6):c.1674+13A>G

Gene: MYO6 (myosin VI; plus strand). Cytogenetic location: 6q14.1.
Variant type: single nucleotide variant.
Coding change: c.1674+13A>G on transcript NM_004999.4 (MANE Select); 13 bases into the intron after coding-DNA position 1674, A replaced by G.
Molecular consequence: intron variant.
Genome position (GRCh38, 1-based): chr6:75,862,736, A>G. VCF-style: chr6-75862736-A-G. GRCh37 (hg19) VCF-style: chr6-76572453-A-G.
Other names: c.1674+13A>G (NM_001368865.1, NM_001368866.1, NM_001368137.1 and 2 more transcripts); c.1659+13A>G (NM_001368138.1).
Identifiers: ClinVar variation 178623 (VCV000178623.21), dbSNP rs6925845, ClinGen allele CA182686.

ClinVar aggregate classification (germline): Conflicting classifications of pathogenicity. Review status: criteria provided, conflicting classifications (1 of 4 stars). 6 submissions from 5 submitters: Uncertain significance (1); Benign (3); Likely benign (2). Last evaluated 2026-01-19.

Conditions:
Autosomal recessive nonsyndromic hearing loss 37. Identifiers: Orphanet 90636, MedGen C1843028, MONDO:0011912, OMIM 607821.
Autosomal dominant nonsyndromic hearing loss 22. Also called: Autosomal dominant nonsyndromic deafness 22; DFNA 22. Identifiers: Orphanet 228012, MedGen C2931767, MONDO:0011660, OMIM 606346.

Allele frequency attached by ClinVar (database versions not stated): ExAC 0.00117; 1000 Genomes Project 0.00339; 1000 Genomes Project 30x 0.00344; gnomAD 0.00415 and 0.00447; TOPMed 0.00492; ESP Exome Variant Server 0.00538.
gnomAD v4.1: 1,201 of 1,613,624 alleles (0.074%); highest among the groups gnomAD compares: African/African-American, 1.4%; 10 homozygotes.

Submissions (6):

Labcorp Genetics (formerly Invitae), Labcorp
Classification: Benign. Last evaluated: 2026-01-19. Review status: criteria provided, single submitter. Criteria: Invitae Variant Classification Sherloc (09022015). Collection method: clinical testing. Allele origin: germline.

Blueprint Genetics
Classification: Likely benign. Last evaluated: 2024-11-13. Review status: criteria provided, single submitter. Criteria: ACMG Guidelines, 2015. Collection method: clinical testing. Allele origin: germline.

GeneDx
Classification: Likely benign. Last evaluated: 2018-10-21. Review status: criteria provided, single submitter. Criteria: GeneDx Variant Classification Process June 2021. Collection method: clinical testing. Allele origin: germline. Affected: yes.

Illumina Laboratory Services, Illumina
Classification: Benign for Autosomal dominant nonsyndromic hearing loss 22. Last evaluated: 2018-01-13. Review status: criteria provided, single submitter. Criteria: ICSL Variant Classification Criteria 13 December 2019. Collection method: clinical testing. Allele origin: germline.
Comment: This variant was observed in the ICSL laboratory as part of a predisposition screen in an ostensibly healthy population. It had not been previously curated by ICSL or reported in the Human Gene Mutation Database (HGMD: prior to June 1st, 2018), and was therefore a candidate for classification through an automated scoring system. Utilizing variant allele frequency, disease prevalence and penetrance estimates, and inheritance mode, an automated score was calculated to assess if this variant is too frequent to cause the disease. Based on the score and internal cut-off values, a variant classified as benign is not then subjected to further curation. The score for this variant resulted in a classification of benign for this disease.

Illumina Laboratory Services, Illumina
Classification: Uncertain significance for Autosomal recessive nonsyndromic hearing loss 37. Last evaluated: 2018-01-13. Review status: criteria provided, single submitter. Criteria: ICSL Variant Classification Criteria 13 December 2019. Collection method: clinical testing. Allele origin: germline.

Laboratory for Molecular Medicine, Mass General Brigham Personalized Medicine
Classification: Benign. Last evaluated: 2012-05-07. Review status: criteria provided, single submitter. Criteria: LMM Criteria. Collection method: clinical testing. Allele origin: germline. Observed: 4 variant alleles.
Comment: 1674+13A>G in Intron 16 of MYO6: This variant is not expected to have clinical s ignificance because it is not located within the conserved splice consensus sequ ence and has been identified in 1.5% (55/3738) of African American chromosomes f rom a broad population by the NHLBI Exome Sequencing Project (dbSNP rs6925845).